The following is an entry in ClinVar:

ClinVar aggregate classification (germline): Uncertain significance (1 of 4 stars; one submission).

Submission:

Labcorp Genetics (formerly Invitae), Labcorp
Classification: Uncertain significance. Last evaluated: 2025-06-24. Review status: criteria provided, single submitter. Criteria: Invitae Variant Classification Sherloc (09022015). Collection method: clinical testing. Allele origin: germline.
Comment: This sequence change replaces leucine, which is neutral and non-polar, with proline, which is neutral and non-polar, at codon 1981 of the DCHS1 protein (p.Leu1981Pro). This variant is not present in population databases (gnomAD no frequency). This variant has not been reported in the literature in individuals affected with DCHS1-related conditions. Invitae Evidence Modeling of protein sequence and biophysical properties (such as structural, functional, and spatial information, amino acid conservation, physicochemical variation, residue mobility, and thermodynamic stability) indicates that this missense variant is expected to disrupt DCHS1 protein function with a positive predictive value of 80%. In summary, the available evidence is currently insufficient to determine the role of this variant in disease. Therefore, it has been classified as a Variant of Uncertain Significance.

NM_003737.4(DCHS1):c.5942T>C (p.Leu1981Pro)

Gene: DCHS1 (dachsous cadherin-related 1; minus strand). Cytogenetic location: 11p15.4.
Variant type: single nucleotide variant.
Coding change: c.5942T>C on transcript NM_003737.4 (MANE Select); coding-DNA position 5942, T replaced by C.
Protein change: p.Leu1981Pro; replaces leucine 1981 with proline.
Molecular consequence: missense variant.
Genome position (GRCh38, 1-based): chr11:6,627,097, A>G on the plus strand (T>C on the coding strand, the complement: DCHS1 is on the minus strand). VCF-style: chr11-6627097-A-G. GRCh37 (hg19) VCF-style: chr11-6648328-A-G.
Other names: short protein forms L1981P.
Identifiers: ClinVar variation 4771515 (VCV004771515.1).